The following is an entry in ClinVar:

ClinVar aggregate classification (germline): Uncertain significance. Review status: criteria provided, multiple submitters, no conflicts (2 of 4 stars). 3 submissions from 3 submitters: Uncertain significance (3). Last evaluated 2025-09-28.

Conditions:
Collagen 6-related myopathy. Identifiers: MedGen CN117976, MONDO:0100225.
Bethlem myopathy 1A. Also called: Bethlem myopathy 1; MYOPATHY, BENIGN CONGENITAL, WITH CONTRACTURES; Bethlem Muscular Dystrophy. Identifiers: Orphanet 610, MedGen CN029274, MONDO:0024530, OMIM 158810.

Allele frequency attached by ClinVar (database versions not stated): gnomAD exomes below 0.00001 and 0.00002; TOPMed below 0.00001; ExAC 0.00001; gnomAD 0.00001.
gnomAD v4.1: 26 of 1,613,998 alleles (0.0016%); highest among the groups gnomAD compares: East Asian, 0.013%; no homozygotes.

Submissions (3):

Labcorp Genetics (formerly Invitae), Labcorp
Classification: Uncertain significance for Bethlem myopathy 1A. Last evaluated: 2025-09-28. Review status: criteria provided, single submitter. Criteria: Invitae Variant Classification Sherloc (09022015). Collection method: clinical testing. Allele origin: germline.
Comment: This sequence change replaces arginine, which is basic and polar, with glutamine, which is neutral and polar, at codon 1998 of the COL6A3 protein (p.Arg1998Gln). This variant is present in population databases (rs767725940, gnomAD 0.003%). This missense change has been observed in individual(s) with COL6A3-related conditions and/or dystonia (PMID: 32528171; internal data). ClinVar contains an entry for this variant (Variation ID: 284460). Invitae Evidence Modeling of protein sequence and biophysical properties (such as structural, functional, and spatial information, amino acid conservation, physicochemical variation, residue mobility, and thermodynamic stability) indicates that this missense variant is expected to disrupt COL6A3 protein function with a positive predictive value of 80%. In summary, the available evidence is currently insufficient to determine the role of this variant in disease. Therefore, it has been classified as a Variant of Uncertain Significance.

Victorian Clinical Genetics Services, Murdoch Childrens Research Institute
Classification: Uncertain significance for Collagen 6-related myopathy. Last evaluated: 2025-08-21. Review status: criteria provided, single submitter. Criteria: ACMG Guidelines, 2015. Collection method: clinical testing. Allele origin: germline. Affected: yes.
Comment: This variant is classified as VUS-3C. Evidence in support of pathogenic classification: Variant is present in gnomAD <0.01 (v4: 26 heterozygote(s), 0 homozygote(s)); Evidence in support of benign classification: Same amino acid change has been observed in placental mammals. Additional information: Variant is predicted to result in a missense amino acid change from Arg to Gln; This variant is heterozygous; This gene is associated with both recessive and dominant disease (OMIM); Previous evidence of pathogenicity for this variant is inconclusive. It has been classified as a variant of uncertain significance by clinical laboratories (ClinVar) and has been observed in a cohort of individuals with suspected neuromuscular disease (PMID: 32528171); No published evidence of segregation with disease has been identified for this variant; No published functional evidence has been identified for this variant; No comparable missense variants have previous evidence for pathogenicity; Variant is located in the annotated VWFA 10 domain (UniProt); Dominant negative and loss of function are known mechanisms of disease in this gene and are associated with collagen 6-related myopathy (MONDO:0100225) and dystonia 27 (MIM#616411).

Eurofins Ntd Llc (ga)
Classification: Uncertain significance. Last evaluated: 2015-10-28. Review status: criteria provided, single submitter. Criteria: EGL Classification Definitions 2015. Collection method: clinical testing. Allele origin: germline. Observed: 1 variant allele, 1 heterozygote.

Literature cited by the submitters: PubMed 32528171 (cited by Labcorp Genetics (formerly Invitae), Labcorp and Victorian Clinical Genetics Services, Murdoch Childrens Research Institute).

NM_004369.4(COL6A3):c.5993G>A (p.Arg1998Gln)

Gene: COL6A3 (collagen type VI alpha 3 chain; minus strand). Cytogenetic location: 2q37.3.
Variant type: single nucleotide variant.
Coding change: c.5993G>A on transcript NM_004369.4 (MANE Select); coding-DNA position 5993, G replaced by A.
Protein change: p.Arg1998Gln; replaces arginine 1998 with glutamine.
Molecular consequence: missense variant.
Genome position (GRCh38, 1-based): chr2:237,363,323, C>T on the plus strand (G>A on the coding strand, the complement: COL6A3 is on the minus strand). VCF-style: chr2-237363323-C-T. GRCh37 (hg19) VCF-style: chr2-238271966-C-T.
Other names: c.4172G>A, p.Arg1391Gln (NM_057166.5); c.5375G>A, p.Arg1792Gln (NM_057167.4); short protein forms R1998Q, R1792Q, R1391Q.
Identifiers: ClinVar variation 284460 (VCV000284460.13), dbSNP rs767725940, ClinGen allele CA2188506.